The following is an entry in ClinVar:

NM_004341.5(CAD):c.3883C>T (p.Arg1295Cys)

Gene: CAD (carbamoyl-phosphate synthetase 2, aspartate transcarbamylase, and dihydroorotase; plus strand). Cytogenetic location: 2p23.3.
Variant type: single nucleotide variant.
Coding change: c.3883C>T on transcript NM_004341.5 (MANE Select); coding-DNA position 3883, C replaced by T.
Protein change: p.Arg1295Cys; replaces arginine 1295 with cysteine.
Molecular consequence: missense variant.
Genome position (GRCh38, 1-based): chr2:27,235,341, C>T. VCF-style: chr2-27235341-C-T. GRCh37 (hg19) VCF-style: chr2-27458209-C-T.
Other names: c.3694C>T, p.Arg1232Cys (NM_001306079.2); short protein forms R1232C, R1295C.
Identifiers: ClinVar variation 1467551 (VCV001467551.5), dbSNP rs763567208, ClinGen allele CA1573389.
Genomic context (GRCh38, chr2:27,235,341, plus strand): 5'-GACGTGGTGTTGGGTGTGGAAATGACCAGTACTGGGGAGGTGGCCGGCTTTGGGGAGAGC[C>T]GCTGTGAGGCATACCTCAAGGCCATGCTAAGCACTGGCTTTAAGATCCCCAAGAAGAATA-3'
Protein context (NP_004332.2, residues 1285-1305): TGEVAGFGES[Arg1295Cys]CEAYLKAMLS

ClinVar aggregate classification (germline): Uncertain significance (1 of 4 stars; one submission).

Allele frequency attached by ClinVar (database versions not stated): ExAC 0.00001.
gnomAD v4.1: 5 of 1,614,046 alleles (0.00031%); highest among the groups gnomAD compares: South Asian, 0.0033%; no homozygotes.

Submission:

Labcorp Genetics (formerly Invitae), Labcorp
Classification: Uncertain significance. Last evaluated: 2022-02-08. Review status: criteria provided, single submitter. Criteria: Invitae Variant Classification Sherloc (09022015). Collection method: clinical testing. Allele origin: germline.
Comment: This sequence change replaces arginine, which is basic and polar, with cysteine, which is neutral and slightly polar, at codon 1295 of the CAD protein (p.Arg1295Cys). This variant is present in population databases (rs763567208, gnomAD 0.003%). This variant has not been reported in the literature in individuals affected with CAD-related conditions. Algorithms developed to predict the effect of missense changes on protein structure and function (SIFT, PolyPhen-2, Align-GVGD) all suggest that this variant is likely to be disruptive. In summary, the available evidence is currently insufficient to determine the role of this variant in disease. Therefore, it has been classified as a Variant of Uncertain Significance.